The following is an entry in ClinVar:

NM_000969.5(RPL5):c.623T>C (p.Met208Thr)

Genes: DIPK1A (divergent protein kinase domain 1A; minus strand), RPL5 (ribosomal protein L5; plus strand). Cytogenetic location: 1p22.1.
Variant type: single nucleotide variant.
Coding change: c.623T>C on transcript NM_000969.5 (MANE Select); coding-DNA position 623, T replaced by C.
Protein change: p.Met208Thr; replaces methionine 208 with threonine.
Molecular consequence: missense variant. On other transcripts: non-coding transcript variant (1), intron variant (1).
Genome position (GRCh38, 1-based): chr1:92,837,551, T>C. VCF-style: chr1-92837551-T-C. GRCh37 (hg19) VCF-style: chr1-93303108-T-C.
Other names: c.475-4517A>G (NM_001252273.2); short protein forms M208T.
Identifiers: ClinVar variation 3660458 (VCV003660458.2).

ClinVar aggregate classification (germline): Uncertain significance (1 of 4 stars; one submission).

Conditions:
Diamond-Blackfan anemia. Also called: Blackfan Diamond syndrome; Aregenerative anemia chronic congenital; Red cell aplasia, pure hereditary; Congenital hypoplastic anemia; Aase syndrome. Identifiers: Orphanet 124, MedGen C1260899, MeSH D029503, MONDO:0015253, HP:0004810.

gnomAD v4.1: 2 of 1,612,146 alleles (0.00012%); highest among the groups gnomAD compares: African/African-American, 0.0013%; no homozygotes.

Submission:

Labcorp Genetics (formerly Invitae), Labcorp
Classification: Uncertain significance for Diamond-Blackfan anemia. Last evaluated: 2024-10-26. Review status: criteria provided, single submitter. Criteria: Invitae Variant Classification Sherloc (09022015). Collection method: clinical testing. Allele origin: germline.
Comment: This sequence change replaces methionine, which is neutral and non-polar, with threonine, which is neutral and polar, at codon 208 of the RPL5 protein (p.Met208Thr). This variant is not present in population databases (gnomAD no frequency). This variant has not been reported in the literature in individuals affected with RPL5-related conditions. Invitae Evidence Modeling of protein sequence and biophysical properties (such as structural, functional, and spatial information, amino acid conservation, physicochemical variation, residue mobility, and thermodynamic stability) indicates that this missense variant is expected to disrupt RPL5 protein function with a positive predictive value of 80%. In summary, the available evidence is currently insufficient to determine the role of this variant in disease. Therefore, it has been classified as a Variant of Uncertain Significance.